The following is an entry in ClinVar:

NC_000001.11:g.(?_32810591)_(32811057_?)del

Gene: YARS1 (tyrosyl-tRNA synthetase 1; minus strand). Cytogenetic location: 1p35.1.
Variant type: Deletion.
Identifiers: ClinVar variation 417512 (VCV000417512.1).

ClinVar aggregate classification (germline): Uncertain significance (1 of 4 stars; one submission).

Conditions:
Charcot-Marie-Tooth disease dominant intermediate C (CMTDIC). Also called: CHARCOT-MARIE-TOOTH NEUROPATHY, DOMINANT INTERMEDIATE C. Identifiers: Orphanet 100045, MedGen C1842237, MONDO:0012012, OMIM 608323.

Submission:

Labcorp Genetics (formerly Invitae), Labcorp
Classification: Uncertain significance for Charcot-Marie-Tooth disease dominant intermediate C. Last evaluated: 2016-11-24. Review status: criteria provided, single submitter. Criteria: Invitae Variant Classification Sherloc (09022015). Collection method: clinical testing. Allele origin: germline.
Comment: This variant is a gross deletion of the genomic region encompassing exons 2-3 of the YARS gene. This creates a premature translational stop signal and is expected to result in an absent or disrupted protein product. This deletion has not been reported in the literature in an individual with a YARS-related disease. The current clinical and genetic evidence is not sufficient to establish whether loss-of-function variants in YARS cause disease. Therefore, this variant has been classified as a Variant of Uncertain Significance.